The following is an entry in ClinVar:

ClinVar aggregate classification (germline): Uncertain significance (1 of 4 stars; one submission).

Conditions:
Idiopathic generalized epilepsy. Also called: EIG; Generalised epilepsy. Identifiers: MedGen C0270850, MONDO:0005579, OMIM 600669.

Allele frequency attached by ClinVar (database versions not stated): gnomAD exomes below 0.00001; gnomAD 0.00001; TOPMed 0.00001.
gnomAD v4.1: 6 of 1,601,304 alleles (0.00037%); highest among the groups gnomAD compares: Non-Finnish European, 0.00051%; no homozygotes.

Submission:

Labcorp Genetics (formerly Invitae), Labcorp
Classification: Uncertain significance for Idiopathic generalized epilepsy. Last evaluated: 2020-03-10. Review status: criteria provided, single submitter. Criteria: Invitae Variant Classification Sherloc (09022015). Collection method: clinical testing. Allele origin: germline.
Comment: Algorithms developed to predict the effect of missense changes on protein structure and function (SIFT, PolyPhen-2, Align-GVGD) all suggest that this variant is likely to be tolerated, but these predictions have not been confirmed by published functional studies and their clinical significance is uncertain. This variant has not been reported in the literature in individuals with CACNB4-related conditions. This variant is not present in population databases (ExAC no frequency). This sequence change replaces glutamic acid with aspartic acid at codon 165 of the CACNB4 protein (p.Glu165Asp). The glutamic acid residue is moderately conserved and there is a small physicochemical difference between glutamic acid and aspartic acid. In summary, the available evidence is currently insufficient to determine the role of this variant in disease. Therefore, it has been classified as a Variant of Uncertain Significance.

NM_000726.5(CACNB4):c.495A>T (p.Glu165Asp)

Gene: CACNB4 (calcium voltage-gated channel auxiliary subunit beta 4; minus strand). Cytogenetic location: 2q23.3.
Variant type: single nucleotide variant.
Coding change: c.495A>T on transcript NM_000726.5 (MANE Select); coding-DNA position 495, A replaced by T.
Protein change: p.Glu165Asp; replaces glutamic acid 165 with aspartic acid.
Molecular consequence: missense variant. On other transcripts: 5 prime UTR variant (2).
Genome position (GRCh38, 1-based): chr2:151,876,452, T>A on the plus strand (A>T on the coding strand, the complement: CACNB4 is on the minus strand). VCF-style: chr2-151876452-T-A. GRCh37 (hg19) VCF-style: chr2-152732966-T-A.
Other names: c.441A>T, p.Glu147Asp (NM_001005746.4, NM_001330113.2); c.393A>T, p.Glu131Asp (NM_001005747.4, NM_001330115.2); c.495A>T, p.Glu165Asp (NM_001145798.3); c.354A>T, p.Glu118Asp (NM_001320722.3, NM_001330116.2, NM_001330118.2); c.-140A>T (NM_001330114.2); c.-64A>T (NM_001330117.2); short protein forms E147D, E131D, E118D, E165D.
Identifiers: ClinVar variation 858590 (VCV000858590.9), dbSNP rs1261256653, ClinGen allele CA348801681.
Genomic context (GRCh38, chr2:151,876,452, plus strand): 5'-CAAAAAAAAGTGCATAGAAAAGATGGGAACGTACCCTCCGTGAAAACGTCCTCTTTTTTG[T>A]TCTTGCTGGATCCGTATGTTCTCCAATCTGAGTGGACTTGGAATGAAGCCAATTTCACAG-3'
Protein context (NP_000717.2, residues 155-175): LRLENIRIQQ[Glu165Asp]QKRGRFHGGK